The following is an entry in ClinVar:

ClinVar aggregate classification (germline): Uncertain significance (1 of 4 stars; one submission).

Submission:

Women's Health and Genetics/Laboratory Corporation of America, LabCorp
Classification: Uncertain significance. Last evaluated: 2025-12-02. Review status: criteria provided, single submitter. Criteria: LabCorp Variant Classification Summary - May 2015. Collection method: clinical testing. Allele origin: germline.
Comment: Variant summary: ADAMTS2 c.1642G>A (p.Gly548Arg) results in a non-conservative amino acid change in the encoded protein sequence. Algorithms developed to predict the effect of missense changes on protein structure and function all suggest that this variant is likely to be disruptive. The variant was absent in 251426 control chromosomes. The available data on variant occurrences in the general population are insufficient to allow any conclusion about variant significance. To our knowledge, no occurrence of c.1642G>A in individuals affected with ADAMTS2-related conditions and no experimental evidence demonstrating its impact on protein function have been reported. No submitters have cited clinical-significance assessments for this variant to ClinVar. Based on the evidence outlined above, the variant was classified as uncertain significance.

NM_014244.5(ADAMTS2):c.1642G>A (p.Gly548Arg)

Gene: ADAMTS2 (ADAM metallopeptidase with thrombospondin type 1 motif 2; minus strand). Cytogenetic location: 5q35.3.
Variant type: single nucleotide variant.
Coding change: c.1642G>A on transcript NM_014244.5 (MANE Select); coding-DNA position 1642, G replaced by A.
Protein change: p.Gly548Arg; replaces glycine 548 with arginine.
Molecular consequence: missense variant.
Genome position (GRCh38, 1-based): chr5:179,140,023, C>T on the plus strand (G>A on the coding strand, the complement: ADAMTS2 is on the minus strand). VCF-style: chr5-179140023-C-T. GRCh37 (hg19) VCF-style: chr5-178567024-C-T.
Other names: short protein forms G548R.
Identifiers: ClinVar variation 4688636 (VCV004688636.1).
Genomic context (GRCh38, chr5:179,140,023, plus strand): 5'-TCCAAGCGCCCCAGCTGCCGTCCCGTTTGAGGATGTCAGGTGTCAGCCAGATGCAGTGTC[C>T]TTTAAAACAATGCTGAAAGACAGGAAGCCAGTCCCTCCACTCACCCTCACACCGGGCCGT-3'
Protein context (NP_055059.2, residues 538-558): MCAPGKHCFK[Gly548Arg]HCIWLTPDIL